The following is an entry in ClinVar:

NM_001134831.2(AHI1):c.780A>T (p.Glu260Asp)

Gene: AHI1 (Abelson helper integration site 1; minus strand). Cytogenetic location: 6q23.3.
Variant type: single nucleotide variant.
Coding change: c.780A>T on transcript NM_001134831.2 (MANE Select); coding-DNA position 780, A replaced by T.
Protein change: p.Glu260Asp; replaces glutamic acid 260 with aspartic acid.
Molecular consequence: missense variant.
Genome position (GRCh38, 1-based): chr6:135,463,276, T>A on the plus strand (A>T on the coding strand, the complement: AHI1 is on the minus strand). VCF-style: chr6-135463276-T-A. GRCh37 (hg19) VCF-style: chr6-135784414-T-A.
Other names: c.780A>T, p.Glu260Asp (NM_001134830.2, NM_001134832.2, NM_001350503.2 and 2 more transcripts); short protein forms E260D.
Identifiers: ClinVar variation 2193877 (VCV002193877.4), dbSNP rs761525653, ClinGen allele CA4012758.
Genomic context (GRCh38, chr6:135,463,276, plus strand): 5'-ATCATCTTGATGAGAATCTGAAGAAACTGATCTAACTGAAGATTCTTTCTTTTGTTCACC[T>A]TCAACTGTGTCACCAGAGATGGTCAATGTACTACAAATATAATCCAAGTATCAGCCATTA-3'
Protein context (NP_001128303.1, residues 250-270): STLTISGDTV[Glu260Asp]GEQKKESSVR

ClinVar aggregate classification (germline): Uncertain significance. Review status: criteria provided, multiple submitters, no conflicts (2 of 4 stars). 2 submissions from 2 submitters: Uncertain significance (2). Last evaluated 2026-01-05.

Conditions:
Joubert syndrome. Also called: Familial aplasia of the vermis; JOUBERT-BOLTSHAUSER SYNDROME. Identifiers: Orphanet 475, MedGen C5979921, MONDO:0018772.

Allele frequency attached by ClinVar (database versions not stated): gnomAD exomes below 0.00001; ExAC 0.00001; TOPMed 0.00001; gnomAD 0.00002.
gnomAD v4.1: 5 of 1,609,692 alleles (0.00031%); highest among the groups gnomAD compares: Admixed American, 0.005%; no homozygotes.

Submissions (2):

Labcorp Genetics (formerly Invitae), Labcorp
Classification: Uncertain significance for Joubert syndrome. Last evaluated: 2026-01-05. Review status: criteria provided, single submitter. Criteria: Invitae Variant Classification Sherloc (09022015). Collection method: clinical testing. Allele origin: germline.
Comment: This sequence change replaces glutamic acid, which is acidic and polar, with aspartic acid, which is acidic and polar, at codon 260 of the AHI1 protein (p.Glu260Asp). The frequency data for this variant in the population databases is considered unreliable, as metrics indicate poor data quality at this position in the gnomAD database. This variant has not been reported in the literature in individuals affected with AHI1-related conditions. ClinVar contains an entry for this variant (Variation ID: 2193877). Invitae Evidence Modeling of protein sequence and biophysical properties (such as structural, functional, and spatial information, amino acid conservation, physicochemical variation, residue mobility, and thermodynamic stability) indicates that this missense variant is not expected to disrupt AHI1 protein function with a negative predictive value of 95%. In summary, the available evidence is currently insufficient to determine the role of this variant in disease. Therefore, it has been classified as a Variant of Uncertain Significance.

Blueprint Genetics
Classification: Uncertain significance. Last evaluated: 2024-06-27. Review status: criteria provided, single submitter. Criteria: ACMG Guidelines, 2015. Collection method: clinical testing. Allele origin: germline.